The following is an entry in ClinVar:

ClinVar aggregate classification (germline): Benign/Likely benign. Review status: criteria provided, multiple submitters, no conflicts (2 of 4 stars). 5 submissions from 5 submitters: Benign (1); Likely benign (4). Last evaluated 2025-07-08.

Conditions:
Hereditary nonpolyposis colorectal neoplasms. Identifiers: MedGen C0009405, MeSH D003123.
Hereditary cancer-predisposing syndrome. Also called: Neoplastic Syndromes, Hereditary; Tumor predisposition; Hereditary Cancer Syndrome; Hereditary neoplastic syndrome. Identifiers: Orphanet 140162, MedGen C0027672, MeSH D009386, MONDO:0015356.
Lynch syndrome 4 (LYNCH4). Also called: Colorectal cancer, hereditary nonpolyposis, type 4; Hereditary non-polyposis colorectal cancer, type 4. Identifiers: Orphanet 144, MedGen C1838333, MONDO:0013699, OMIM 614337. Disease mechanism: loss of function.

Allele frequency attached by ClinVar (database versions not stated): gnomAD exomes below 0.00001 and 0.00001; ExAC 0.00001.
gnomAD v4.1: 3 of 1,614,142 alleles (0.00019%); highest among the groups gnomAD compares: Non-Finnish European, 0.00025%; no homozygotes.

Submissions (5):

Labcorp Genetics (formerly Invitae), Labcorp
Classification: Likely benign for Hereditary nonpolyposis colorectal neoplasms. Last evaluated: 2025-07-08. Review status: criteria provided, single submitter. Criteria: Invitae Variant Classification Sherloc (09022015). Collection method: clinical testing. Allele origin: germline.

Myriad Genetics, Inc.
Classification: Benign for Lynch syndrome 4. Last evaluated: 2025-01-30. Review status: criteria provided, single submitter. Criteria: Myriad Autosomal Dominant, Autosomal Recessive and X-Linked Classification Criteria (2023). Collection method: clinical testing. Allele origin: unknown.
Comment: This variant is considered benign. This variant is a silent/synonymous amino acid change and it is not expected to impact splicing.

GeneDx
Classification: Likely benign. Last evaluated: 2020-09-15. Review status: criteria provided, single submitter. Criteria: GeneDx Variant Classification Process June 2021. Collection method: clinical testing. Allele origin: germline. Affected: yes.

Color Diagnostics, LLC DBA Color Health
Classification: Likely benign for Hereditary cancer-predisposing syndrome. Last evaluated: 2017-04-28. Review status: criteria provided, single submitter. Criteria: ACMG Guidelines, 2015. Collection method: clinical testing. Allele origin: germline.

Ambry Genetics
Classification: Likely benign for Hereditary cancer-predisposing syndrome. Last evaluated: 2016-05-23. Review status: criteria provided, single submitter. Criteria: Ambry Variant Classification Scheme 2023. Collection method: clinical testing. Allele origin: germline.

NM_000535.7(PMS2):c.1402C>T (p.Leu468=)

Gene: PMS2 (PMS1 homolog 2, mismatch repair system component; minus strand). Cytogenetic location: 7p22.1.
Variant type: single nucleotide variant.
Coding change: c.1402C>T on transcript NM_000535.7 (MANE Select); coding-DNA position 1402, C replaced by T.
Protein change: p.Leu468=; no amino-acid change (leucine 468 retained).
Molecular consequence: synonymous variant. On other transcripts: non-coding transcript variant (1).
Genome position (GRCh38, 1-based): chr7:5,987,363, G>A on the plus strand (C>T on the coding strand, the complement: PMS2 is on the minus strand). VCF-style: chr7-5987363-G-A. GRCh37 (hg19) VCF-style: chr7-6026994-G-A.
Other names: c.997C>T, p.Leu333= (NM_001322003.2, NM_001322004.2, NM_001322005.2 and 1 more transcripts); c.1246C>T, p.Leu416= (NM_001322006.2); c.1084C>T, p.Leu362= (NM_001322007.2, NM_001322008.2); c.841C>T, p.Leu281= (NM_001322010.2); c.469C>T, p.Leu157= (NM_001322011.2, NM_001322012.2); c.829C>T, p.Leu277= (NM_001322013.2); c.1402C>T, p.Leu468= (NM_001322014.2); c.1093C>T, p.Leu365= (NM_001322015.2).
Identifiers: ClinVar variation 484276 (VCV000484276.21), dbSNP rs759306219, ClinGen allele CA043416.